The following is an entry in ClinVar:

ClinVar aggregate classification (germline): Uncertain significance (1 of 4 stars; one submission).

Conditions:
Spermatogenic failure 18. Identifiers: MedGen C4539783, MONDO:0054615, OMIM 617576.
Ciliary dyskinesia, primary, 37 (CILD37). Also called: CILIARY DYSKINESIA, PRIMARY, 37, WITH OR WITHOUT SITUS INVERSUS. Identifiers: MedGen C4539798, MONDO:0033204, OMIM 617577.

Allele frequency attached by ClinVar (database versions not stated): gnomAD exomes below 0.00001; TOPMed 0.00002.
gnomAD v4.1: 1 of 1,613,780 alleles (0.000062%); highest among the groups gnomAD compares: African/African-American, 0.0013%; no homozygotes.

Submission:

Labcorp Genetics (formerly Invitae), Labcorp
Classification: Uncertain significance for Ciliary dyskinesia, primary, 37; Spermatogenic failure 18. Last evaluated: 2026-01-24. Review status: criteria provided, single submitter. Criteria: Invitae Variant Classification Sherloc (09022015). Collection method: clinical testing. Allele origin: germline.
Comment: This sequence change replaces lysine, which is basic and polar, with arginine, which is basic and polar, at codon 3858 of the DNAH1 protein (p.Lys3858Arg). This variant is not present in population databases (gnomAD no frequency). This variant has not been reported in the literature in individuals affected with DNAH1-related conditions. ClinVar contains an entry for this variant (Variation ID: 665988). Invitae Evidence Modeling of protein sequence and biophysical properties (such as structural, functional, and spatial information, amino acid conservation, physicochemical variation, residue mobility, and thermodynamic stability) indicates that this missense variant is not expected to disrupt DNAH1 protein function with a negative predictive value of 80%. In summary, the available evidence is currently insufficient to determine the role of this variant in disease. Therefore, it has been classified as a Variant of Uncertain Significance.

NM_015512.5(DNAH1):c.11573A>G (p.Lys3858Arg)

Gene: DNAH1 (dynein axonemal heavy chain 1; plus strand). Cytogenetic location: 3p21.1.
Variant type: single nucleotide variant.
Coding change: c.11573A>G on transcript NM_015512.5 (MANE Select); coding-DNA position 11573, A replaced by G.
Protein change: p.Lys3858Arg; replaces lysine 3858 with arginine.
Molecular consequence: missense variant.
Genome position (GRCh38, 1-based): chr3:52,396,760, A>G. VCF-style: chr3-52396760-A-G. GRCh37 (hg19) VCF-style: chr3-52430776-A-G.
Other names: short protein forms K3858R.
Identifiers: ClinVar variation 665988 (VCV000665988.7), dbSNP rs1578207734, ClinGen allele CA353079798.